The following is an entry in ClinVar:

ClinVar aggregate classification (germline): Uncertain significance (1 of 4 stars; one submission).

Allele frequency attached by ClinVar (database versions not stated): ExAC 0.00001; gnomAD 0.00001; TOPMed 0.00001; gnomAD exomes 0.00002; 1000 Genomes Project 30x 0.00016; 1000 Genomes Project 0.00020.
gnomAD v4.1: 28 of 1,608,486 alleles (0.0017%); highest among the groups gnomAD compares: Middle Eastern, 0.017%; no homozygotes.

Submission:

Labcorp Genetics (formerly Invitae), Labcorp
Classification: Uncertain significance. Last evaluated: 2022-06-10. Review status: criteria provided, single submitter. Criteria: Invitae Variant Classification Sherloc (09022015). Collection method: clinical testing. Allele origin: germline.
Comment: This sequence change replaces arginine, which is basic and polar, with glutamine, which is neutral and polar, at codon 1058 of the SKIV2L protein (p.Arg1058Gln). This variant is present in population databases (rs527478841, gnomAD 0.006%). This variant has not been reported in the literature in individuals affected with SKIV2L-related conditions. Algorithms developed to predict the effect of missense changes on protein structure and function are either unavailable or do not agree on the potential impact of this missense change (SIFT: "Deleterious"; PolyPhen-2: "Possibly Damaging"; Align-GVGD: "Class C0"). Algorithms developed to predict the effect of sequence changes on RNA splicing suggest that this variant may create or strengthen a splice site. In summary, the available evidence is currently insufficient to determine the role of this variant in disease. Therefore, it has been classified as a Variant of Uncertain Significance.

NM_006929.5(SKIC2):c.3173G>A (p.Arg1058Gln)

Gene: SKIC2 (SKI2 subunit of superkiller complex; plus strand). Cytogenetic location: 6p21.33.
Variant type: single nucleotide variant.
Coding change: c.3173G>A on transcript NM_006929.5 (MANE Select); coding-DNA position 3173, G replaced by A.
Protein change: p.Arg1058Gln; replaces arginine 1058 with glutamine.
Molecular consequence: missense variant.
Genome position (GRCh38, 1-based): chr6:31,968,789, G>A. VCF-style: chr6-31968789-G-A. GRCh37 (hg19) VCF-style: chr6-31936566-G-A.
Other names: short protein forms R1058Q.
Identifiers: ClinVar variation 1408563 (VCV001408563.3), dbSNP rs527478841, ClinGen allele CA3729985.